The following is an entry in ClinVar:

NM_000059.4(BRCA2):c.5221_5225delinsC (p.Ser1741fs)

Gene: BRCA2 (BRCA2 DNA repair associated; plus strand). Cytogenetic location: 13q13.1.
Variant type: Indel.
Coding change: c.5221_5225delinsC on transcript NM_000059.4 (MANE Select); coding-DNA positions 5221 to 5225, AGTAA replaced by C.
Protein change: p.Ser1741fs; shifts the reading frame from serine 1741.
Molecular consequence: frameshift variant.
Genome position (GRCh38, 1-based): chr13:32,339,576-32,339,580, AGTAA replaced by C. VCF-style: chr13-32339576-AGTAA-C. GRCh37 (hg19) VCF-style: chr13-32913713-AGTAA-C.
Other names: c.5221_5225delAGTAAinsC (NM_000059.3); short protein forms S1741fs.
Identifiers: ClinVar variation 186235 (VCV000186235.7), dbSNP rs786202798, ClinGen allele CA021771.

ClinVar aggregate classification (germline): Pathogenic. Review status: reviewed by expert panel (3 of 4 stars). 3 submissions from 3 submitters: Pathogenic (1). 2 of the submissions do not count toward it. Last evaluated 2017-12-15.

Conditions:
Hereditary cancer-predisposing syndrome. Also called: Tumor predisposition; Hereditary neoplastic syndrome; Neoplastic Syndromes, Hereditary; Hereditary Cancer Syndrome. Identifiers: Orphanet 140162, MedGen C0027672, MeSH D009386, MONDO:0015356.
Hereditary breast ovarian cancer syndrome. Also called: Hereditary breast and ovarian cancer; Breast and ovarian cancer; BRCA1- and BRCA2-Associated Hereditary Breast and Ovarian Cancer; Hereditary breast and ovarian cancer syndrome; Hereditary breast and ovarian cancer syndrome (HBOC); Hereditary breast and/or ovarian cancer syndrome. Identifiers: Orphanet 145, MedGen C0677776, MeSH D061325, MONDO:0003582. Disease mechanism: loss of function.
Breast-ovarian cancer, familial, susceptibility to, 2 (BROVCA2). Also called: BRCA2 Hereditary Breast and Ovarian Cancer. Identifiers: Orphanet 145, MedGen C2675520, MONDO:0012933, OMIM 612555. Disease mechanism: loss of function.

Submissions (3):

Evidence-based Network for the Interpretation of Germline Mutant Alleles (ENIGMA)
Classification: Pathogenic for Breast-ovarian cancer, familial, susceptibility to, 2. Last evaluated: 2017-12-15. Review status: reviewed by expert panel. Criteria: ENIGMA BRCA1/2 Classification Criteria (2017-06-29). Collection method: curation. Allele origin: germline. Study: ENIGMA.
Comment: Variant allele predicted to encode a truncated non-functional protein.

Ambry Genetics
Classification: Pathogenic for Hereditary cancer-predisposing syndrome. Last evaluated: 2026-01-13. Review status: criteria provided, single submitter. Criteria: Ambry Variant Classification Scheme 2023. Collection method: clinical testing. Allele origin: germline. Not counted in ClinVar's aggregate classification.
Comment: The c.5221_5225delAGTAAinsC pathogenic mutation, located in coding exon 10 of the BRCA2 gene, results from the deletion of 5 nucleotides and insertion of one nucleotide causing a translational frameshift with a predicted alternate stop codon (p.S1741Pfs*35). This variant is considered to be rare based on population cohorts in the Genome Aggregation Database (gnomAD). This alteration is expected to result in loss of function by premature protein truncation or nonsense-mediated mRNA decay. As such, this alteration is interpreted as a disease-causing mutation.

Women's Health and Genetics/Laboratory Corporation of America, LabCorp
Classification: Pathogenic for Hereditary breast ovarian cancer syndrome. Last evaluated: 2024-10-24. Review status: criteria provided, single submitter. Criteria: LabCorp Variant Classification Summary - May 2015. Collection method: clinical testing. Allele origin: germline. Not counted in ClinVar's aggregate classification.
Comment: Variant summary: BRCA2 c.5221_5225delinsC (p.Ser1741ProfsX35) results in a premature termination codon, predicted to cause a truncation of the encoded protein or absence of the protein due to nonsense mediated decay, which are commonly known mechanisms for disease. The variant was absent in 1609196 control chromosomes. To our knowledge, no occurrence of c.5221_5225delinsC in individuals affected with Hereditary Breast And Ovarian Cancer Syndrome have been reported. ClinVar contains an entry for this variant (Variation ID: 186235). Based on the evidence outlined above, the variant was classified as pathogenic.